The following is an entry in ClinVar:

NM_198253.3(TERT):c.2872C>G (p.Leu958Val)

Gene: TERT (telomerase reverse transcriptase; minus strand). Cytogenetic location: 5p15.33.
Variant type: single nucleotide variant.
Coding change: c.2872C>G on transcript NM_198253.3 (MANE Select); coding-DNA position 2872, C replaced by G.
Protein change: p.Leu958Val; replaces leucine 958 with valine.
Molecular consequence: missense variant. On other transcripts: non-coding transcript variant (2).
Genome position (GRCh38, 1-based): chr5:1,260,572, G>C on the plus strand (C>G on the coding strand, the complement: TERT is on the minus strand). VCF-style: chr5-1260572-G-C. GRCh37 (hg19) VCF-style: chr5-1260687-G-C.
Other names: c.2683C>G, p.Leu895Val (NM_001193376.3); short protein forms L895V, L958V.
Identifiers: ClinVar variation 3967387 (VCV003967387.1).

ClinVar aggregate classification (germline): Uncertain significance (1 of 4 stars; one submission).

Conditions:
Dyskeratosis congenita. Identifiers: Orphanet 1775, MedGen C0265965, MONDO:0015780.

Submission:

Ambry Genetics
Classification: Uncertain significance for Dyskeratosis congenita. Last evaluated: 2025-06-06. Review status: criteria provided, single submitter. Criteria: Ambry Variant Classification Scheme 2023. Collection method: clinical testing. Allele origin: germline.
Comment: The p.L958V variant (also known as c.2872C>G), located in coding exon 12 of the TERT gene, results from a C to G substitution at nucleotide position 2872. The leucine at codon 958 is replaced by valine, an amino acid with highly similar properties. This amino acid position is conserved. In addition, this alteration is predicted to be tolerated by in silico analysis. Based on the available evidence, the clinical significance of this variant remains unclear.